The following is an entry in ClinVar:

NM_020884.7(MYH7B):c.5473A>C (p.Lys1825Gln)

Gene: MYH7B (myosin heavy chain 7B; plus strand). Cytogenetic location: 20q11.22.
Variant type: single nucleotide variant.
Coding change: c.5473A>C on transcript NM_020884.7 (MANE Select); coding-DNA position 5473, A replaced by C.
Protein change: p.Lys1825Gln; replaces lysine 1825 with glutamine.
Molecular consequence: missense variant.
Genome position (GRCh38, 1-based): chr20:35,001,156, A>C. VCF-style: chr20-35001156-A-C. GRCh37 (hg19) VCF-style: chr20-33588959-A-C.
Other names: short protein forms K1825Q.
Identifiers: ClinVar variation 2902834 (VCV002902834.3), dbSNP rs2519243700, ClinGen allele CA408719504.
Genomic context (GRCh38, chr20:35,001,156, plus strand): 5'-GAGGAGGCAGAACAGGCCGCCCTCCGTGGCGGGAAGAAGCAGGTGCAGAAGCTGGAGGCC[A>C]AGGTGTGTGCAGCCCCTCTAGTCCTTGGCGCAGGCAGGGTGGGTGACCCAGGGGTGGGCT-3'
Protein context (NP_065935.4, residues 1815-1835): GKKQVQKLEA[Lys1825Gln]VRELEAELDA

ClinVar aggregate classification (germline): Uncertain significance (1 of 4 stars; one submission).

Submission:

Labcorp Genetics (formerly Invitae), Labcorp
Classification: Uncertain significance. Last evaluated: 2023-12-25. Review status: criteria provided, single submitter. Criteria: Invitae Variant Classification Sherloc (09022015). Collection method: clinical testing. Allele origin: germline.
Comment: This sequence change replaces lysine, which is basic and polar, with glutamine, which is neutral and polar, at codon 1867 of the MYH7B protein (p.Lys1867Gln). This variant is not present in population databases (gnomAD no frequency). This variant has not been reported in the literature in individuals affected with MYH7B-related conditions. An algorithm developed to predict the effect of missense changes on protein structure and function (PolyPhen-2) suggests that this variant is likely to be tolerated. In summary, the available evidence is currently insufficient to determine the role of this variant in disease. Therefore, it has been classified as a Variant of Uncertain Significance.